The following is an entry in ClinVar:

ClinVar aggregate classification (germline): Uncertain significance (1 of 4 stars; one submission).

Conditions:
Intellectual developmental disorder, autosomal dominant 52. Also called: Intellectual disability, autosomal dominant 52; Mental retardation, autosomal dominant 52. Identifiers: MedGen C4540478, MONDO:0030918, OMIM 617796.

Submission:

Victorian Clinical Genetics Services, Murdoch Childrens Research Institute
Classification: Uncertain significance for Intellectual developmental disorder, autosomal dominant 52. Last evaluated: 2022-02-02. Review status: criteria provided, single submitter. Criteria: ACMG Guidelines, 2015. Collection method: clinical testing. Allele origin: germline. Inheritance: Autosomal dominant inheritance. Affected: yes.
Comment: Based on the classification scheme VCGS_Germline_v1.3.4, this variant is classified as VUS-3B. Following criteria are met: 0102 - Loss of function is a known mechanism of disease in this gene and is associated with ASH1L-related intellectual disability (MIM#617796). (I) 0107 - This gene is associated with autosomal dominant disease. (I) 0200 - Variant is predicted to result in a missense amino acid change from arginine to threonine. (I) 0251 - This variant is heterozygous. (I) 0301 - Variant is absent from gnomAD (both v2 and v3). (SP) 0501 - Missense variant consistently predicted to be damaging by multiple in silico tools or highly conserved with a major amino acid change. (SP) 0600 - Variant is located in the annotated SET domain (NCBI, UniProt). (I) 0705 - No comparable missense variants have previous evidence for pathogenicity. (I) 0807 - This variant has no previous evidence of pathogenicity. (I) 0905 - No published segregation evidence has been identified for this variant. (I) 1007 - No published functional evidence has been identified for this variant. (I) 1208 - Inheritance information for this variant is not currently available in this individual. (I) Legend: (SP) - Supporting pathogenic, (I) - Information, (SB) - Supporting benign

NM_018489.3(ASH1L):c.6545G>C (p.Arg2182Thr)

Gene: ASH1L (ASH1 like histone lysine methyltransferase; minus strand). Cytogenetic location: 1q22.
Variant type: single nucleotide variant.
Coding change: c.6545G>C on transcript NM_018489.3 (MANE Select); coding-DNA position 6545, G replaced by C.
Protein change: p.Arg2182Thr; replaces arginine 2182 with threonine.
Molecular consequence: missense variant.
Genome position (GRCh38, 1-based): chr1:155,370,645, C>G on the plus strand (G>C on the coding strand, the complement: ASH1L is on the minus strand). VCF-style: chr1-155370645-C-G. GRCh37 (hg19) VCF-style: chr1-155340436-C-G.
Other names: c.6560G>C, p.Arg2187Thr (NM_001366177.2); short protein forms R2182T, R2187T.
Identifiers: ClinVar variation 1698999 (VCV001698999.3), dbSNP rs2148414951, ClinGen allele CA342754231.